The following is an entry in ClinVar:

NM_001348323.3(TRIP12):c.247G>C (p.Val83Leu)

Gene: TRIP12 (thyroid hormone receptor interactor 12; minus strand). Cytogenetic location: 2q36.3.
Variant type: single nucleotide variant.
Coding change: c.247G>C on transcript NM_001348323.3 (MANE Select); coding-DNA position 247, G replaced by C.
Protein change: p.Val83Leu; replaces valine 83 with leucine.
Molecular consequence: missense variant. On other transcripts: intron variant (1).
Genome position (GRCh38, 1-based): chr2:229,859,552, C>G on the plus strand (G>C on the coding strand, the complement: TRIP12 is on the minus strand). VCF-style: chr2-229859552-C-G. GRCh37 (hg19) VCF-style: chr2-230724268-C-G.
Other names: c.247G>C, p.Val83Leu (NM_001284214.2, NM_001348315.2, NM_001348319.1 and 15 more transcripts); c.121G>C, p.Val41Leu (NM_001284215.2, NM_001348316.2, NM_001348317.1 and 3 more transcripts); c.98+20430G>C (NM_001284216.2); short protein forms V41L, V83L.
Identifiers: ClinVar variation 3359303 (VCV003359303.2).

ClinVar aggregate classification (germline): Uncertain significance. Review status: criteria provided, multiple submitters, no conflicts (2 of 4 stars). 2 submissions from 2 submitters: Uncertain significance (2). Last evaluated 2024-10-15.

gnomAD v4.1: 3 of 1,613,196 alleles (0.00019%); highest among the groups gnomAD compares: Admixed American, 0.005%; no homozygotes.

Submissions (2):

Women's Health and Genetics/Laboratory Corporation of America, LabCorp
Classification: Uncertain significance. Last evaluated: 2024-10-15. Review status: criteria provided, single submitter. Criteria: LabCorp Variant Classification Summary - May 2015. Collection method: clinical testing. Allele origin: germline.
Comment: Variant summary: TRIP12 c.247G>C (p.Val83Leu) results in a conservative amino acid change in the encoded protein sequence. Four of five in-silico tools predict a benign effect of the variant on protein function. The variant was absent in 249238 control chromosomes (gnomAD). The available data on variant occurrences in the general population are insufficient to allow any conclusion about variant significance. To our knowledge, no occurrence of c.247G>C in individuals affected with Clark-Baraitser Syndrome and no experimental evidence demonstrating its impact on protein function have been reported. No submitters have cited clinical-significance assessments for this variant to ClinVar. Based on the evidence outlined above, the variant was classified as uncertain significance.

GeneDx
Classification: Uncertain significance. Last evaluated: 2023-05-30. Review status: criteria provided, single submitter. Criteria: GeneDx Variant Classification Process June 2021. Collection method: clinical testing. Allele origin: germline. Affected: yes.
Comment: Not observed at significant frequency in large population cohorts (gnomAD); In silico analysis supports that this missense variant does not alter protein structure/function; Has not been previously published as pathogenic or benign to our knowledge